The following is an entry in ClinVar:

NM_000059.4(BRCA2):c.3672C>T (p.Gly1224=)

Gene: BRCA2 (BRCA2 DNA repair associated; plus strand). Cytogenetic location: 13q13.1.
Variant type: single nucleotide variant.
Coding change: c.3672C>T on transcript NM_000059.4 (MANE Select); coding-DNA position 3672, C replaced by T.
Protein change: p.Gly1224=; no amino-acid change (glycine 1224 retained).
Molecular consequence: synonymous variant.
Genome position (GRCh38, 1-based): chr13:32,338,027, C>T. VCF-style: chr13-32338027-C-T. GRCh37 (hg19) VCF-style: chr13-32912164-C-T.
Identifiers: ClinVar variation 135797 (VCV000135797.40), dbSNP rs587780650, ClinGen allele CA018521.
Genomic context (GRCh38, chr13:32,338,027, plus strand): 5'-TTCTGGTTATTTAACAGATGAAAATGAAGTGGGGTTTAGGGGCTTTTATTCTGCTCATGG[C>T]ACAAAACTGAATGTTTCTACTGAAGCTCTGCAAAAAGCTGTGAAACTGTTTAGTGATATT-3'
Protein context (NP_000050.3, residues 1214-1234): VGFRGFYSAH[Gly1224=]TKLNVSTEAL

ClinVar aggregate classification (germline): Likely benign. Review status: reviewed by expert panel (3 of 4 stars). 13 submissions from 13 submitters: Likely benign (1). 12 of the submissions do not count toward it. Last evaluated 2017-06-29.

Conditions:
Breast and/or ovarian cancer. Identifiers: MedGen CN221562.
BRCA2-related disorder. Also called: BRCA2-related condition; BRCA2-related disorders. Identifiers: MedGen CN239275.
Hereditary cancer-predisposing syndrome. Also called: Tumor predisposition; Hereditary neoplastic syndrome; Neoplastic Syndromes, Hereditary; Hereditary Cancer Syndrome. Identifiers: Orphanet 140162, MedGen C0027672, MeSH D009386, MONDO:0015356.
Hereditary breast ovarian cancer syndrome. Also called: Hereditary breast and ovarian cancer; BRCA1- and BRCA2-Associated Hereditary Breast and Ovarian Cancer; Hereditary breast and/or ovarian cancer syndrome; Hereditary breast and ovarian cancer syndrome; Hereditary breast and ovarian cancer syndrome (HBOC); Breast and ovarian cancer. Identifiers: Orphanet 145, MedGen C0677776, MeSH D061325, MONDO:0003582. Disease mechanism: loss of function.
Breast-ovarian cancer, familial, susceptibility to, 2 (BROVCA2). Also called: BRCA2 Hereditary Breast and Ovarian Cancer. Identifiers: Orphanet 145, MedGen C2675520, MONDO:0012933, OMIM 612555. Disease mechanism: loss of function.

Allele frequency attached by ClinVar (database versions not stated): gnomAD exomes below 0.00001; gnomAD 0.00001.
gnomAD v4.1: 9 of 1,611,974 alleles (0.00056%); highest among the groups gnomAD compares: East Asian, 0.0067%; no homozygotes.

Submissions (13):

Evidence-based Network for the Interpretation of Germline Mutant Alleles (ENIGMA)
Classification: Likely benign for Breast-ovarian cancer, familial, susceptibility to, 2. Last evaluated: 2017-06-29. Review status: reviewed by expert panel. Criteria: ENIGMA BRCA1/2 Classification Criteria (2017-06-29). Collection method: curation. Allele origin: germline.
Comment: Synonymous substitution variant, with low bioinformatic likelihood to result in a splicing aberration (Splicing prior probability 0.02).

Labcorp Genetics (formerly Invitae), Labcorp
Classification: Likely benign for Hereditary breast ovarian cancer syndrome. Last evaluated: 2026-01-25. Review status: criteria provided, single submitter. Criteria: Invitae Variant Classification Sherloc (09022015). Collection method: clinical testing. Allele origin: germline. Not counted in ClinVar's aggregate classification.

Quest Diagnostics Nichols Institute San Juan Capistrano
Classification: Likely benign. Last evaluated: 2025-10-22. Review status: criteria provided, single submitter. Criteria: Quest Diagnostics criteria. Collection method: clinical testing. Allele origin: unknown. Not counted in ClinVar's aggregate classification.

Blueprint Genetics
Classification: Likely benign. Last evaluated: 2024-03-07. Review status: criteria provided, single submitter. Criteria: ACMG Guidelines, 2015. Collection method: clinical testing. Allele origin: germline. Not counted in ClinVar's aggregate classification.

Women's Health and Genetics/Laboratory Corporation of America, LabCorp
Classification: Likely benign. Last evaluated: 2020-11-12. Review status: criteria provided, single submitter. Criteria: LabCorp Variant Classification Summary - May 2015. Collection method: clinical testing. Allele origin: germline. Not counted in ClinVar's aggregate classification.

ARUP Laboratories, Molecular Genetics and Genomics, ARUP Laboratories
Classification: Likely benign. Last evaluated: 2018-02-01. Review status: criteria provided, single submitter. Criteria: ARUP Molecular Germline Variant Investigation Process. Collection method: clinical testing. Allele origin: germline. Not counted in ClinVar's aggregate classification.
Comment: The BRCA2 c.3672C>T; p.Gly1224Gly variant (rs587780650), to our knowledge, is not reported in the medical literature but is reported as likely benign by multiple labs in ClinVar (Variation ID: 135797). Additionally, another variant at this nucleotide position (c.3672C>G; p.Gly1224Gly) has also been reported as likely benign to ClinVar (Variation ID: 481605). The c.3672C>T variant is found in the general population at an overall frequency of 0.003% (1/30934 alleles) in the Genome Aggregation Database. This is a synonymous change, the nucleotide is weakly conserved, and computational algorithms (SpliceSiteFinder-like, MaxEntScan, NNSplice, GeneSplicer, Human Splicing Finder) do not predict that this variant impacts splicing. Based on the above information, this variant is considered likely benign.

CHEO Genetics Diagnostic Laboratory, Children's Hospital of Eastern Ontario
Classification: Likely benign for Breast and/or ovarian cancer. Last evaluated: 2017-08-25. Review status: criteria provided, single submitter. Criteria: ACMG Guidelines, 2015. Collection method: clinical testing. Allele origin: germline. Study: Canadian Open Genetics Repository. Not counted in ClinVar's aggregate classification.

Color Diagnostics, LLC DBA Color Health
Classification: Likely benign for Hereditary cancer-predisposing syndrome. Last evaluated: 2015-07-24. Review status: criteria provided, single submitter. Criteria: ACMG Guidelines, 2015. Collection method: clinical testing. Allele origin: germline. Not counted in ClinVar's aggregate classification.

GeneDx
Classification: Benign. Last evaluated: 2015-03-03. Review status: criteria provided, single submitter. Criteria: GeneDx Variant Classification Process June 2021. Collection method: clinical testing. Allele origin: germline. Affected: yes. Not counted in ClinVar's aggregate classification.

Ambry Genetics
Classification: Likely benign for Hereditary cancer-predisposing syndrome. Last evaluated: 2014-06-20. Review status: criteria provided, single submitter. Criteria: Ambry Variant Classification Scheme 2023. Collection method: clinical testing. Allele origin: germline. Not counted in ClinVar's aggregate classification.

PreventionGenetics, part of Exact Sciences
Classification: Likely benign for BRCA2-related condition. Last evaluated: 2020-01-10. Review status: no assertion criteria provided. Collection method: clinical testing. Allele origin: germline. Not counted in ClinVar's aggregate classification.
Comment: This variant is classified as likely benign based on ACMG/AMP sequence variant interpretation guidelines (Richards et al. 2015 PMID: 25741868, with internal and published modifications).

Counsyl
Classification: Likely benign for Breast-ovarian cancer, familial, susceptibility to, 2. Last evaluated: 2017-12-21. Review status: no assertion criteria provided. Collection method: clinical testing. Allele origin: unknown. Not counted in ClinVar's aggregate classification.

Department of Pathology and Laboratory Medicine, Sinai Health System
Classification: Uncertain significance. Review status: no assertion criteria provided. Collection method: clinical testing. Allele origin: unknown. Affected: yes. Study: The Canadian Open Genetics Repository (COGR). Not counted in ClinVar's aggregate classification.
Comment: The BRCA2 p.Gly1224= variant was not identified in the literature nor was it identified in the COGR, COSMIC, MutDB, UMD, LOVD 3.0, BIC, ARUP Laboratories BRCA Mutations Database or Zhejiang University database. The variant was identified in dbSNP (ID: rs587780650) as "With Likely benign allele", and in Clinvar database (classified as likely benign by Invitae, Ambry Genetics and 4 other submitters). The variant was identified in control databases in 1 of 30934 chromosomes at a frequency of 0.000032 (Genome Aggregation Database Feb 27, 2017). The variant was observed in the â€šÃ„ÃºOtherâ€šÃ„Ã¹ population in 1 of 978 chromosomes (freq: 0.001); it was not observed in the African, Latino, European, Ashkenazi Jewish, East Asian, Finnish, or South Asian populations. The p.Gly1224= variant is not expected to have clinical significance because it does not result in a change of amino acid and is not located in a known consensus splice site. The variant occurs outside of the splicing consensus sequence and 1 of 4 in silico or computational prediction software programs (SpliceSiteFinder, MaxEntScan, NNSPLICE, GeneSplicer) predict a greater than 10% difference in splicing; this is not very predictive of pathogenicity. In summary, based on the above information the clinical significance of this variant cannot be determined with certainty at this time. This variant is classified as a variant of uncertain significance.